The following is an entry in ClinVar:

ClinVar aggregate classification (germline): Benign/Likely benign. Review status: criteria provided, multiple submitters, no conflicts (2 of 4 stars). 8 submissions from 6 submitters: Benign (7); Likely benign (1). Last evaluated 2026-02-04.

Conditions:
Schwartz-Jampel syndrome. Also called: Myotonic myopathy dwarfism chondrodystrophy and ocular and facial abnormalities. Identifiers: Orphanet 800, MedGen C0036391, MONDO:0009717.
Lethal Kniest-like syndrome (DDSH). Also called: Dyssegmental Dysplasia. Identifiers: Orphanet 1865, MedGen C1857100, MONDO:0009140, OMIM 224410.

Allele frequency attached by ClinVar (database versions not stated): 1000 Genomes Project 0.08586; 1000 Genomes Project 30x 0.08760; gnomAD 0.10014 and 0.10296; TOPMed 0.10237; ESP Exome Variant Server 0.10933.
gnomAD v4.1: 135,918 of 1,613,534 alleles (8.4%); highest among the groups gnomAD compares: African/African-American, 18%; 6,529 homozygotes.

Submissions (8):

Labcorp Genetics (formerly Invitae), Labcorp
Classification: Benign. Last evaluated: 2026-02-04. Review status: criteria provided, single submitter. Criteria: Invitae Variant Classification Sherloc (09022015). Collection method: clinical testing. Allele origin: germline.

Blueprint Genetics
Classification: Likely benign. Last evaluated: 2024-11-26. Review status: criteria provided, single submitter. Criteria: ACMG Guidelines, 2015. Collection method: clinical testing. Allele origin: germline.

Genome-Nilou Lab
Classification: Benign for Lethal Kniest-like syndrome. Last evaluated: 2021-08-10. Review status: criteria provided, single submitter. Criteria: ACMG Guidelines, 2015. Collection method: clinical testing. Allele origin: germline. Affected: no.

Genome-Nilou Lab
Classification: Benign for Schwartz-Jampel syndrome type 1. Last evaluated: 2021-08-10. Review status: criteria provided, single submitter. Criteria: ACMG Guidelines, 2015. Collection method: clinical testing. Allele origin: germline. Affected: no.

GeneDx
Classification: Benign. Last evaluated: 2018-08-25. Review status: criteria provided, single submitter. Criteria: GeneDx Variant Classification Process June 2021. Collection method: clinical testing. Allele origin: germline. Affected: yes.

Illumina Laboratory Services, Illumina
Classification: Benign for Schwartz-Jampel syndrome type 1. Last evaluated: 2018-01-12. Review status: criteria provided, single submitter. Criteria: ICSL Variant Classification Criteria 13 December 2019. Collection method: clinical testing. Allele origin: germline.
Comment: This variant was observed in the ICSL laboratory as part of a predisposition screen in an ostensibly healthy population. It had not been previously curated by ICSL or reported in the Human Gene Mutation Database (HGMD: prior to June 1st, 2018), and was therefore a candidate for classification through an automated scoring system. Utilizing variant allele frequency, disease prevalence and penetrance estimates, and inheritance mode, an automated score was calculated to assess if this variant is too frequent to cause the disease. Based on the score and internal cut-off values, a variant classified as benign is not then subjected to further curation. The score for this variant resulted in a classification of benign for this disease.

Illumina Laboratory Services, Illumina
Classification: Benign for Lethal Kniest-like syndrome. Last evaluated: 2018-01-12. Review status: criteria provided, single submitter. Criteria: ICSL Variant Classification Criteria 13 December 2019. Collection method: clinical testing. Allele origin: germline.
Comment: the same text as in the submission from Illumina Laboratory Services, Illumina above.

Breakthrough Genomics
Classification: Benign. Review status: criteria provided, single submitter. Criteria: ACMG Guidelines, 2015. Collection method: not provided. Allele origin: germline. Inheritance: Autosomal recessive inheritance. Affected: yes.

NM_005529.7(HSPG2):c.11082C>T (p.Pro3694=)

Gene: HSPG2 (heparan sulfate proteoglycan 2; minus strand). Cytogenetic location: 1p36.12.
Variant type: single nucleotide variant.
Coding change: c.11082C>T on transcript NM_005529.7 (MANE Select); coding-DNA position 11082, C replaced by T.
Protein change: p.Pro3694=; no amino-acid change (proline 3694 retained).
Molecular consequence: synonymous variant.
Genome position (GRCh38, 1-based): chr1:21,833,281, G>A on the plus strand (C>T on the coding strand, the complement: HSPG2 is on the minus strand). VCF-style: chr1-21833281-G-A. GRCh37 (hg19) VCF-style: chr1-22159774-G-A.
Other names: c.11085C>T, p.Pro3695= (NM_001291860.2).
Identifiers: ClinVar variation 295724 (VCV000295724.19), dbSNP rs2229486, ClinGen allele CA669937.
Genomic context (GRCh38, chr1:21,833,281, plus strand): 5'-CCCTCAACCCAGGCCAGCCCACCCCGCAAATTAACCCTCCTGCTCACCATCGGCTGAGTC[G>A]GGCCGGAAGGTGATCTTGATCTCGAACTTCCTGTAGGCATCCTTGATGGTGGGCAGCGGT-3'
Protein context (NP_005520.4, residues 3684-3704): RKFEIKITFR[Pro3694=]DSADGMLLYN